The following is an entry in ClinVar:

NM_004360.5(CDH1):c.1040C>T (p.Ala347Val)

Gene: CDH1 (cadherin 1; plus strand). Cytogenetic location: 16q22.1.
Variant type: single nucleotide variant.
Coding change: c.1040C>T on transcript NM_004360.5 (MANE Select); coding-DNA position 1040, C replaced by T.
Protein change: p.Ala347Val; replaces alanine 347 with valine.
Molecular consequence: missense variant. On other transcripts: 5 prime UTR variant (2).
Genome position (GRCh38, 1-based): chr16:68,812,166, C>T. VCF-style: chr16-68812166-C-T. GRCh37 (hg19) VCF-style: chr16-68846069-C-T.
Other names: c.1040C>T, p.Ala347Val (NM_001317184.2); c.-576C>T (NM_001317185.2); c.-780C>T (NM_001317186.2); short protein forms A347V.
Identifiers: ClinVar variation 4632374 (VCV004632374.1).

ClinVar aggregate classification (germline): Uncertain significance (1 of 4 stars; one submission).

Conditions:
Hereditary cancer-predisposing syndrome. Also called: Neoplastic Syndromes, Hereditary; Tumor predisposition; Hereditary Cancer Syndrome; Hereditary neoplastic syndrome. Identifiers: Orphanet 140162, MedGen C0027672, MeSH D009386, MONDO:0015356.

gnomAD v4.1: 6 of 1,614,188 alleles (0.00037%); highest among the groups gnomAD compares: Non-Finnish European, 0.00042%; no homozygotes.

Submission:

Ambry Genetics
Classification: Uncertain significance for Hereditary cancer-predisposing syndrome. Last evaluated: 2025-09-18. Review status: criteria provided, single submitter. Criteria: Ambry Variant Classification Scheme 2023. Collection method: clinical testing. Allele origin: germline.
Comment: The p.A347V variant (also known as c.1040C>T), located in coding exon 8 of the CDH1 gene, results from a C to T substitution at nucleotide position 1040. The alanine at codon 347 is replaced by valine, an amino acid with similar properties. This amino acid position is highly conserved in available vertebrate species. In addition, the in silico prediction for this alteration is inconclusive. Based on the available evidence, the clinical significance of this variant remains unclear.